The following is an entry in ClinVar:

NM_001374736.1(DST):c.19001T>C (p.Ile6334Thr)

Gene: DST (dystonin; minus strand). Cytogenetic location: 6p12.1.
Variant type: single nucleotide variant.
Coding change: c.19001T>C on transcript NM_001374736.1 (MANE Select); coding-DNA position 19001, T replaced by C.
Protein change: p.Ile6334Thr; replaces isoleucine 6334 with threonine.
Molecular consequence: missense variant.
Genome position (GRCh38, 1-based): chr6:56,509,653, A>G on the plus strand (T>C on the coding strand, the complement: DST is on the minus strand). VCF-style: chr6-56509653-A-G. GRCh37 (hg19) VCF-style: chr6-56374451-A-G.
Other names: c.12644T>C, p.Ile4215Thr (NM_001144769.5); c.12230T>C, p.Ile4077Thr (NM_001144770.2); c.19001T>C, p.Ile6334Thr (NM_001374722.1); c.18041T>C, p.Ile6014Thr (NM_001374729.1); c.11783T>C, p.Ile3928Thr (NM_001374730.1); c.19028T>C, p.Ile6343Thr (NM_001374734.1); c.12110T>C, p.Ile4037Thr (NM_001386100.1, NM_183380.4); c.11132T>C, p.Ile3711Thr (NM_015548.5); short protein forms I4215T, I4037T, I3928T, I4077T, I6014T, I6334T, I3711T, I6343T.
Identifiers: ClinVar variation 1491518 (VCV001491518.6), dbSNP rs2152473701, ClinGen allele CA364523859.

ClinVar aggregate classification (germline): Uncertain significance (1 of 4 stars; one submission).

Conditions:
Epidermolysis bullosa simplex 3, localized or generalized intermediate, with BP230 deficiency (EBS3). Also called: Epidermolysis bullosa simplex, autosomal recessive 2; Epidermolysis bullosa simplex due to BP230 deficiency. Identifiers: Orphanet 412181, MedGen C3809470, MONDO:0014180, OMIM 615425.
Hereditary sensory and autonomic neuropathy type 6. Also called: Neuropathy, hereditary sensory and autonomic, type VI; HSAN VI. Identifiers: Orphanet 314381, MedGen C3539003, MONDO:0013839, OMIM 614653.

gnomAD v4.1: 1 of 1,612,676 alleles (0.000062%); highest among the groups gnomAD compares: Non-Finnish European, 0.000085%; no homozygotes.

Submission:

Labcorp Genetics (formerly Invitae), Labcorp
Classification: Uncertain significance for Epidermolysis bullosa simplex 3, localized or generalized intermediate, with BP230 deficiency; Hereditary sensory and autonomic neuropathy type 6. Last evaluated: 2021-05-17. Review status: criteria provided, single submitter. Criteria: Invitae Variant Classification Sherloc (09022015). Collection method: clinical testing. Allele origin: germline.
Comment: In summary, the available evidence is currently insufficient to determine the role of this variant in disease. Therefore, it has been classified as a Variant of Uncertain Significance. Algorithms developed to predict the effect of missense changes on protein structure and function are either unavailable or do not agree on the potential impact of this missense change (SIFT: "Not Available"; PolyPhen-2: "Not Available"; Align-GVGD: "Not Available"). This variant has not been reported in the literature in individuals with DST-related conditions. This variant is not present in population databases (ExAC no frequency). This sequence change replaces isoleucine with threonine at codon 3711 of the DST protein (p.Ile3711Thr). The DST gene has multiple clinically relevant transcripts. This variant occurs in alternate transcript NM_015548.4, and corresponds to NM_001723.5:c.*105864T>C in the primary transcript.